The following is an entry in ClinVar:

NM_031433.4(MFRP):c.271+1G>A

Genes: C1QTNF5 (C1q and TNF related 5; minus strand), MFRP (membrane frizzled-related protein; minus strand). Cytogenetic location: 11q23.3.
Variant type: single nucleotide variant.
Coding change: c.271+1G>A on transcript NM_031433.4 (MANE Select); the canonical splice donor site of the intron after coding-DNA position 271, G replaced by A.
Molecular consequence: splice donor variant.
Genome position (GRCh38, 1-based): chr11:119,346,045, C>T on the plus strand (G>A on the coding strand, the complement: MFRP is on the minus strand). VCF-style: chr11-119346045-C-T. GRCh37 (hg19) VCF-style: chr11-119216755-C-T.
Other names: c.-2366+1G>A (NM_015645.5).
Identifiers: ClinVar variation 970729 (VCV000970729.10), dbSNP rs755272017, ClinGen allele CA6320658.

ClinVar aggregate classification (germline): Pathogenic/Likely pathogenic. Review status: criteria provided, multiple submitters, no conflicts (2 of 4 stars). 2 submissions from 2 submitters: Pathogenic (1); Likely pathogenic (1). Last evaluated 2025-07-22.

Conditions:
MFRP-related disorder. Also called: MFRP-related condition; MFRP-related disorders.
Isolated microphthalmia 5. Also called: Posterior Microphthalmia with Retinitis Pigmentosa, Foveoschisis, and Optic Disc Drusen. Identifiers: Orphanet 251279, MedGen C1970236, MONDO:0012605, OMIM 611040.

Allele frequency attached by ClinVar (database versions not stated): gnomAD 0.00002; ExAC 0.00005; gnomAD exomes 0.00005 and 0.00003; TOPMed 0.00003.
gnomAD v4.1: 79 of 1,611,036 alleles (0.0049%); highest among the groups gnomAD compares: Middle Eastern, 0.016%; no homozygotes.

Submissions (2):

Labcorp Genetics (formerly Invitae), Labcorp
Classification: Likely pathogenic for Isolated microphthalmia 5. Last evaluated: 2025-07-22. Review status: criteria provided, single submitter. Criteria: Invitae Variant Classification Sherloc (09022015). Collection method: clinical testing. Allele origin: germline.
Comment: This sequence change affects a donor splice site in intron 3 of the MFRP gene. It is expected to disrupt RNA splicing. Variants that disrupt the donor or acceptor splice site typically lead to a loss of protein function (PMID: 16199547), and loss-of-function variants in MFRP are known to be pathogenic (PMID: 12140190, 15976030, 20361016). This variant is present in population databases (rs755272017, gnomAD 0.009%). Disruption of this splice site has been observed in individual(s) with clinical features of MFRP-related conditions (internal data). ClinVar contains an entry for this variant (Variation ID: 970729). Algorithms developed to predict the effect of sequence changes on RNA splicing suggest that this variant may disrupt the consensus splice site. In summary, the currently available evidence indicates that the variant is pathogenic, but additional data are needed to prove that conclusively. Therefore, this variant has been classified as Likely Pathogenic.

Blueprint Genetics
Classification: Pathogenic for MFRP-related disorders. Last evaluated: 2021-06-20. Review status: criteria provided, single submitter. Criteria: ACMG Guidelines, 2015. Collection method: clinical testing. Allele origin: germline. Affected: yes. Observed: 3 variant alleles.

Literature cited by the submitters: PubMed 16199547 (cited by Labcorp Genetics (formerly Invitae), Labcorp); PubMed 12140190 (cited by Labcorp Genetics (formerly Invitae), Labcorp); PubMed 15976030 (cited by Labcorp Genetics (formerly Invitae), Labcorp); PubMed 20361016 (cited by Labcorp Genetics (formerly Invitae), Labcorp).